The following is an entry in ClinVar:

ClinVar aggregate classification (germline): Uncertain significance (1 of 4 stars; one submission).

Allele frequency attached by ClinVar (database versions not stated): gnomAD exomes below 0.00001; TOPMed below 0.00001.
gnomAD v4.1: 1 of 1,614,080 alleles (0.000062%); highest among the groups gnomAD compares: African/African-American, 0.0013%; no homozygotes.

Submission:

Labcorp Genetics (formerly Invitae), Labcorp
Classification: Uncertain significance. Last evaluated: 2022-12-30. Review status: criteria provided, single submitter. Criteria: Invitae Variant Classification Sherloc (09022015). Collection method: clinical testing. Allele origin: germline.
Comment: This variant has not been reported in the literature in individuals affected with DHX32-related conditions. In summary, the available evidence is currently insufficient to determine the role of this variant in disease. Therefore, it has been classified as a Variant of Uncertain Significance. Algorithms developed to predict the effect of missense changes on protein structure and function (SIFT, PolyPhen-2, Align-GVGD) all suggest that this variant is likely to be tolerated. This variant is not present in population databases (gnomAD no frequency). This sequence change replaces tryptophan, which is neutral and slightly polar, with arginine, which is basic and polar, at codon 348 of the DHX32 protein (p.Trp348Arg).

NM_018180.3(DHX32):c.1042T>C (p.Trp348Arg)

Gene: DHX32 (DEAH-box helicase 32 (putative); minus strand). Cytogenetic location: 10q26.2.
Variant type: single nucleotide variant.
Coding change: c.1042T>C on transcript NM_018180.3 (MANE Select); coding-DNA position 1042, T replaced by C.
Protein change: p.Trp348Arg; replaces tryptophan 348 with arginine.
Molecular consequence: missense variant.
Genome position (GRCh38, 1-based): chr10:125,854,011, A>G on the plus strand (T>C on the coding strand, the complement: DHX32 is on the minus strand). VCF-style: chr10-125854011-A-G. GRCh37 (hg19) VCF-style: chr10-127542580-A-G.
Other names: short protein forms W348R.
Identifiers: ClinVar variation 2825036 (VCV002825036.3), dbSNP rs1944124347, ClinGen allele CA378676800.
Genomic context (GRCh38, chr10:125,854,011, plus strand): 5'-TAATAATTACCTTTCTTCTTTCCACACCCACATCGATAACAAATCTGACTGAGTTGCTCC[A>G]GATCAAAAACTCTCCAGAGCTAGTAGTTAACACCACTCTTCTTTGATAAACTTGGCATCT-3'
Protein context (NP_060650.2, residues 338-358): LTTSSGEFLI[Trp348Arg]SNSVRFVIDV